The following is an entry in ClinVar:

NM_001127178.3(PIGG):c.2294_2295del (p.Phe765fs)

Gene: PIGG (phosphatidylinositol glycan anchor biosynthesis class G (EMM blood group); plus strand). Cytogenetic location: 4p16.3.
Variant type: Deletion.
Coding change: c.2294_2295del on transcript NM_001127178.3 (MANE Select); coding-DNA positions 2294 to 2295, 2 bases deleted (TT; older notation c.2294_2295delTT).
Protein change: p.Phe765fs; shifts the reading frame from phenylalanine 765.
Molecular consequence: frameshift variant. On other transcripts: non-coding transcript variant (6).
Genome position (GRCh38, 1-based): chr4:530,468-530,469, TT deleted; deleting any 2 consecutive bases within chr4:530,467-530,469 gives the same sequence; the c. name uses the placement nearest the transcript's 3' end. VCF-style (leftmost placement, unchanged base first): chr4-530466-CTT-C. GRCh37 (hg19) VCF-style: chr4-524255-CTT-C.
Other names: c.2027_2028del, p.Phe676fs (NM_001289051.2, NM_001345986.2); c.1895_1896del, p.Phe632fs (NM_001289052.2); c.2003_2004del, p.Phe668fs (NM_001345987.2); c.1265_1266del, p.Phe422fs (NM_001345988.2); c.761_762del, p.Phe254fs (NM_001345990.2, NM_001345991.2); c.1196_1197del, p.Phe399fs (NM_001345994.2); c.2270_2271del, p.Phe757fs (NM_017733.5); short protein forms F668fs, F422fs, F632fs, F757fs, F765fs, F254fs, F399fs, F676fs.
Identifiers: ClinVar variation 2106191 (VCV002106191.4), dbSNP rs2475049976, ClinGen allele CA2578009011.

ClinVar aggregate classification (germline): Pathogenic (1 of 4 stars; one submission).

Conditions:
Intellectual disability, autosomal recessive 53 (NEDHSCA). Also called: NEURODEVELOPMENTAL DISORDER WITH OR WITHOUT HYPOTONIA, SEIZURES, AND CEREBELLAR ATROPHY; GLYCOSYLPHOSPHATIDYLINOSITOL BIOSYNTHESIS DEFECT 13; Mental retardation, autosomal recessive 53. Identifiers: Orphanet 488635, MedGen C4310794, MONDO:0014832, OMIM 616917.

Submission:

Labcorp Genetics (formerly Invitae), Labcorp
Classification: Pathogenic for Intellectual disability, autosomal recessive 53. Last evaluated: 2022-04-22. Review status: criteria provided, single submitter. Criteria: Invitae Variant Classification Sherloc (09022015). Collection method: clinical testing. Allele origin: germline.
Comment: This variant has not been reported in the literature in individuals affected with PIGG-related conditions. For these reasons, this variant has been classified as Pathogenic. This variant is not present in population databases (gnomAD no frequency). This sequence change creates a premature translational stop signal (p.Phe765Cysfs*14) in the PIGG gene. It is expected to result in an absent or disrupted protein product. Loss-of-function variants in PIGG are known to be pathogenic (PMID: 26996948, 28581210, 28771251).

Literature cited by the submitters: PubMed 26996948; PubMed 28581210; PubMed 28771251.